The following is an entry in ClinVar:

NM_016507.4(CDK12):c.1061A>G (p.Lys354Arg)

Gene: CDK12 (cyclin dependent kinase 12; plus strand). Cytogenetic location: 17q12.
Variant type: single nucleotide variant.
Coding change: c.1061A>G on transcript NM_016507.4 (MANE Select); coding-DNA position 1061, A replaced by G.
Protein change: p.Lys354Arg; replaces lysine 354 with arginine.
Molecular consequence: missense variant.
Genome position (GRCh38, 1-based): chr17:39,470,893, A>G. VCF-style: chr17-39470893-A-G. GRCh37 (hg19) VCF-style: chr17-37627146-A-G.
Other names: c.1061A>G, p.Lys354Arg (NM_015083.4); short protein forms K354R.
Identifiers: ClinVar variation 4651456 (VCV004651456.1).
Genomic context (GRCh38, chr17:39,470,893, plus strand): 5'-TACTACTGTAGTCCATTCATTTAAAACTGGCTTTTTATTTTTCCAGTAGGAAATCCATGA[A>G]GTCCAGAAGTAGAAGTCCTGCATATTCAAGACATTCATCTTCTCATAGTAAAAAGAAGAG-3'
Protein context (NP_057591.2, residues 344-364): RSPLPSRKSM[Lys354Arg]SRSRSPAYSR

ClinVar aggregate classification (germline): Uncertain significance (1 of 4 stars; one submission).

Submission:

Ambry Genetics
Classification: Uncertain significance. Last evaluated: 2025-11-21. Review status: criteria provided, single submitter. Criteria: Ambry Variant Classification Scheme 2023. Collection method: clinical testing. Allele origin: germline.
Comment: The p.K354R variant (also known as c.1061A>G), located in coding exon 2 of the CDK12 gene, results from an A to G substitution at nucleotide position 1061. The lysine at codon 354 is replaced by arginine, an amino acid with highly similar properties. This amino acid position is conserved. In addition, this alteration is predicted to be tolerated by in silico analysis. Based on the available evidence, the clinical significance of this variant remains unclear.